The following is an entry in ClinVar:

ClinVar aggregate classification (germline): Uncertain significance (1 of 4 stars; one submission).

Allele frequency attached by ClinVar (database versions not stated): gnomAD 0.00001; gnomAD exomes 0.00001; TOPMed 0.00001; ExAC 0.00002.

Submission:

Labcorp Genetics (formerly Invitae), Labcorp
Classification: Uncertain significance. Last evaluated: 2025-10-28. Review status: criteria provided, single submitter. Criteria: Invitae Variant Classification Sherloc (09022015). Collection method: clinical testing. Allele origin: germline.
Comment: This sequence change replaces valine, which is neutral and non-polar, with leucine, which is neutral and non-polar, at codon 1139 of the LTBP4 protein (p.Val1139Leu). This variant is present in population databases (rs774489740, gnomAD 0.002%). This variant has not been reported in the literature in individuals affected with LTBP4-related conditions. ClinVar contains an entry for this variant (Variation ID: 2181704). Experimental studies and prediction algorithms are not available or were not evaluated, and the functional significance of this variant is currently unknown. In summary, the available evidence is currently insufficient to determine the role of this variant in disease. Therefore, it has been classified as a Variant of Uncertain Significance.

NM_001042545.2(LTBP4):c.3325G>C (p.Val1109Leu)

Gene: LTBP4 (latent transforming growth factor beta binding protein 4; plus strand). Cytogenetic location: 19q13.2.
Variant type: single nucleotide variant.
Coding change: c.3325G>C on transcript NM_001042545.2 (MANE Select); coding-DNA position 3325, G replaced by C.
Protein change: p.Val1109Leu; replaces valine 1109 with leucine.
Molecular consequence: missense variant.
Genome position (GRCh38, 1-based): chr19:40,622,508, G>C. VCF-style: chr19-40622508-G-C. GRCh37 (hg19) VCF-style: chr19-41128413-G-C.
Other names: c.3526G>C, p.Val1176Leu (NM_001042544.1); c.3415G>C, p.Val1139Leu (NM_003573.2); short protein forms V1176L, V1109L, V1139L.
Identifiers: ClinVar variation 2181704 (VCV002181704.4), dbSNP rs774489740, ClinGen allele CA9448978.